The following is an entry in ClinVar:

NM_001376256.1(CRYM):c.820G>C (p.Glu274Gln)

Gene: CRYM (crystallin mu; minus strand). Cytogenetic location: 16p12.2.
Variant type: single nucleotide variant.
Coding change: c.820G>C on transcript NM_001376256.1 (MANE Select); coding-DNA position 820, G replaced by C.
Protein change: p.Glu274Gln; replaces glutamic acid 274 with glutamine.
Molecular consequence: missense variant.
Genome position (GRCh38, 1-based): chr16:21,261,314, C>G on the plus strand (G>C on the coding strand, the complement: CRYM is on the minus strand). VCF-style: chr16-21261314-C-G. GRCh37 (hg19) VCF-style: chr16-21272635-C-G.
Other names: c.820G>C, p.Glu274Gln (NM_001888.5); short protein forms E274Q.
Identifiers: ClinVar variation 1272764 (VCV001272764.7), dbSNP rs150970942, ClinGen allele CA7950601.
Genomic context (GRCh38, chr16:21,261,314, plus strand): 5'-CCAAAGACTTGAACACGGTGGTCTTCTCACAGTGGGCTGGTTTCACTCCCTTAATCACTT[C>G]TCCCAGCTCAGCAAAGATCTCGGCCTAGGAAACAAACATACGCTGACCCAGGCATGAAGC-3'
Protein context (NP_001363185.1, residues 264-284): SGAEIFAELG[Glu274Gln]VIKGVKPAHC

ClinVar aggregate classification (germline): Benign/Likely benign. Review status: criteria provided, multiple submitters, no conflicts (2 of 4 stars). 4 submissions from 4 submitters: Benign (1); Likely benign (2). 1 of the submissions does not count toward it. Last evaluated 2024-08-08.

Conditions:
CRYM-related disorder. Also called: CRYM-related condition.

Allele frequency attached by ClinVar (database versions not stated): ESP Exome Variant Server 0.00062; gnomAD 0.00062 and 0.00068; TOPMed 0.00070.
gnomAD v4.1: 173 of 1,614,106 alleles (0.011%); highest among the groups gnomAD compares: African/African-American, 0.21%; no homozygotes.

Submissions (4):

Labcorp Genetics (formerly Invitae), Labcorp
Classification: Likely benign. Last evaluated: 2024-08-08. Review status: criteria provided, single submitter. Criteria: Invitae Variant Classification Sherloc (09022015). Collection method: clinical testing. Allele origin: germline.

Blueprint Genetics
Classification: Likely benign. Last evaluated: 2023-02-15. Review status: criteria provided, single submitter. Criteria: ACMG Guidelines, 2015. Collection method: clinical testing. Allele origin: germline.

GeneDx
Classification: Benign. Last evaluated: 2020-07-06. Review status: criteria provided, single submitter. Criteria: GeneDx Variant Classification Process June 2021. Collection method: clinical testing. Allele origin: germline. Affected: yes.

PreventionGenetics, part of Exact Sciences
Classification: Likely benign for CRYM-related condition. Last evaluated: 2021-02-09. Review status: no assertion criteria provided. Collection method: clinical testing. Allele origin: germline. Not counted in ClinVar's aggregate classification.
Comment: This variant is classified as likely benign based on ACMG/AMP sequence variant interpretation guidelines (Richards et al. 2015 PMID: 25741868, with internal and published modifications).